The following is an entry in ClinVar:

ClinVar aggregate classification (germline): Uncertain significance. Review status: criteria provided, multiple submitters, no conflicts (2 of 4 stars). 2 submissions from 2 submitters: Uncertain significance (2). Last evaluated 2023-12-18.

Conditions:
Inborn genetic diseases. Identifiers: MedGen C0950123, MeSH D030342.

gnomAD v4.1: 3 of 1,546,572 alleles (0.00019%); highest among the groups gnomAD compares: Non-Finnish European, 0.00026%; no homozygotes.

Submissions (2):

Ambry Genetics
Classification: Uncertain significance for Inborn genetic diseases. Last evaluated: 2023-12-18. Review status: criteria provided, single submitter. Criteria: Ambry Variant Classification Scheme 2023. Collection method: clinical testing. Allele origin: germline.

GeneDx
Classification: Uncertain significance. Last evaluated: 2023-08-04. Review status: criteria provided, single submitter. Criteria: GeneDx Variant Classification Process June 2021. Collection method: clinical testing. Allele origin: germline. Affected: yes.
Comment: Not observed at significant frequency in large population cohorts (gnomAD); In silico analysis supports that this missense variant does not alter protein structure/function; Has not been previously published as pathogenic or benign to our knowledge; This variant is associated with the following publications: (PMID: 17923109)

NM_013382.7(POMT2):c.244A>G (p.Ile82Val)

Gene: POMT2 (protein O-mannosyltransferase 2; minus strand). Cytogenetic location: 14q24.3.
Variant type: single nucleotide variant.
Coding change: c.244A>G on transcript NM_013382.7 (MANE Select); coding-DNA position 244, A replaced by G.
Protein change: p.Ile82Val; replaces isoleucine 82 with valine.
Molecular consequence: missense variant.
Genome position (GRCh38, 1-based): chr14:77,320,438, T>C on the plus strand (A>G on the coding strand, the complement: POMT2 is on the minus strand). VCF-style: chr14-77320438-T-C. GRCh37 (hg19) VCF-style: chr14-77786781-T-C.
Other names: short protein forms I82V.
Identifiers: ClinVar variation 3216745 (VCV003216745.2), dbSNP rs373944477, ClinGen allele CA263794816.